The following is an entry in ClinVar:

ClinVar aggregate classification (germline): Conflicting classifications of pathogenicity. Review status: criteria provided, conflicting classifications (1 of 4 stars). 5 submissions from 5 submitters: Uncertain significance (1); Benign (1); Likely benign (3). Last evaluated 2025-10-02.

Allele frequency attached by ClinVar (database versions not stated): gnomAD 0.00003 and 0.00004; TOPMed 0.00003; gnomAD exomes 0.00004 and 0.00005; ExAC 0.00006; ESP Exome Variant Server 0.00009.

Submissions (5):

Labcorp Genetics (formerly Invitae), Labcorp
Classification: Benign. Last evaluated: 2025-10-02. Review status: criteria provided, single submitter. Criteria: Invitae Variant Classification Sherloc (09022015). Collection method: clinical testing. Allele origin: germline.

CeGaT Center for Human Genetics Tuebingen
Classification: Likely benign. Last evaluated: 2024-07-01. Review status: criteria provided, single submitter. Criteria: CeGaT Center For Human Genetics Tuebingen Variant Classification Criteria Version 2. Collection method: clinical testing. Allele origin: germline. Affected: yes. Observed: 1 variant allele.
Comment: TIMM8A: PP2, BS2

Blueprint Genetics
Classification: Likely benign. Last evaluated: 2024-06-17. Review status: criteria provided, single submitter. Criteria: ACMG Guidelines, 2015. Collection method: clinical testing. Allele origin: germline.

Mayo Clinic Laboratories, Mayo Clinic
Classification: Uncertain significance. Last evaluated: 2024-03-14. Review status: criteria provided, single submitter. Criteria: ACMG Guidelines, 2015. Collection method: clinical testing. Allele origin: germline. Observed: 1 variant allele.
Comment: BS2

GeneDx
Classification: Likely benign. Last evaluated: 2020-04-29. Review status: criteria provided, single submitter. Criteria: GeneDx Variant Classification Process June 2021. Collection method: clinical testing. Allele origin: germline. Affected: yes.

NM_004085.4(TIMM8A):c.251C>T (p.Thr84Ile)

Gene: TIMM8A (translocase of inner mitochondrial membrane 8A; minus strand). Cytogenetic location: Xq22.1.
Variant type: single nucleotide variant.
Coding change: c.251C>T on transcript NM_004085.4 (MANE Select); coding-DNA position 251, C replaced by T.
Protein change: p.Thr84Ile; replaces threonine 84 with isoleucine.
Molecular consequence: missense variant. On other transcripts: 3 prime UTR variant (1).
Genome position (GRCh38, 1-based): chrX:101,346,542, G>A on the plus strand (C>T on the coding strand, the complement: TIMM8A is on the minus strand). VCF-style: chrX-101346542-G-A. GRCh37 (hg19) VCF-style: chrX-100601530-G-A.
Other names: p.Thr84Ile; c.*1845C>T (NM_001145951.2); short protein forms T84I.
Identifiers: ClinVar variation 1220355 (VCV001220355.30), dbSNP rs201897402, ClinGen allele CA10472889.